The following is an entry in ClinVar:

ClinVar aggregate classification (germline): Uncertain significance (1 of 4 stars; one submission).

Conditions:
Normophosphatemic familial tumoral calcinosis. Also called: CALCINOSIS, TUMORAL, WITH NORMOPHOSPHATEMIA. Identifiers: Orphanet 306658, Orphanet 53715, MedGen C1864861, MONDO:0012502, OMIM 610455.

gnomAD v4.1: 3 of 1,613,210 alleles (0.00019%); highest among the groups gnomAD compares: Non-Finnish European, 0.00025%; no homozygotes.

Submission:

Myriad Genetics, Inc.
Classification: Uncertain significance for Normophosphatemic familial tumoral calcinosis. Last evaluated: 2026-06-02. Review status: criteria provided, single submitter. Criteria: Myriad Autosomal Dominant, Autosomal Recessive and X-Linked Classification Criteria (2023). Collection method: clinical testing. Allele origin: unknown.
Comment: NM_017654.3(SAMD9):c.2683G>T(E895*) is a nonsense variant classified as a variant of uncertain significance in the context of normophosphatemic familial tumoral calcinosis. E895* has not been observed in cases with relevant disease. Relevant functional assessments of this variant are not available in the literature. E895* has not been observed in referenced population frequency databases. In summary, there is insufficient evidence to classify NM_017654.3(SAMD9):c.2683G>T(E895*) as pathogenic or benign. Please note: this variant was assessed in the context of healthy population screening.

NM_017654.4(SAMD9):c.2683G>T (p.Glu895Ter)

Gene: SAMD9 (sterile alpha motif domain containing 9; minus strand). Cytogenetic location: 7q21.2.
Variant type: single nucleotide variant.
Coding change: c.2683G>T on transcript NM_017654.4 (MANE Select); coding-DNA position 2683, G replaced by T.
Protein change: p.Glu895Ter; replaces glutamic acid 895 with a stop codon.
Molecular consequence: nonsense.
Genome position (GRCh38, 1-based): chr7:93,103,415, C>A on the plus strand (G>T on the coding strand, the complement: SAMD9 is on the minus strand). VCF-style: chr7-93103415-C-A. GRCh37 (hg19) VCF-style: chr7-92732728-C-A.
Other names: c.2683G>T, p.Glu895Ter (NM_001193307.2); short protein forms E895*.
Identifiers: ClinVar variation 5003510 (VCV005003510.1).